The following is an entry in ClinVar:

NM_001355436.2(SPTB):c.5692C>T (p.Gln1898Ter)

Gene: SPTB (spectrin beta, erythrocytic; minus strand). Cytogenetic location: 14q23.3.
Variant type: single nucleotide variant.
Coding change: c.5692C>T on transcript NM_001355436.2 (MANE Select); coding-DNA position 5692, C replaced by T.
Protein change: p.Gln1898Ter; replaces glutamine 1898 with a stop codon.
Molecular consequence: nonsense.
Genome position (GRCh38, 1-based): chr14:64,770,991, G>A on the plus strand (C>T on the coding strand, the complement: SPTB is on the minus strand). VCF-style: chr14-64770991-G-A. GRCh37 (hg19) VCF-style: chr14-65237709-G-A.
Other names: c.5692C>T, p.Gln1898Ter (NM_001024858.4, NM_001355437.2); short protein forms Q1898*.
Identifiers: ClinVar variation 1163370 (VCV001163370.5), dbSNP rs1398484902, ClinGen allele CA390040360.
Genomic context (GRCh38, chr14:64,770,991, plus strand): 5'-AGGAGAGGAGGTCACGGGCCATGCTGAAGAAGCGGAATTTATCCGCCGTGTCCACTAGCT[G>A]GGTCCGGCGCCCGGCACAGGCATCGAGCAGCGCCTGCCACGCGGCAGACACCTCCTGCTC-3'

ClinVar aggregate classification (germline): Likely pathogenic (1 of 4 stars; one submission).

Submission:

Mayo Clinic Laboratories, Mayo Clinic
Classification: Likely pathogenic. Last evaluated: 2020-11-16. Review status: criteria provided, single submitter. Criteria: ACMG Guidelines, 2015. Collection method: clinical testing. Allele origin: germline. Observed: 1 variant allele.
Comment: PVS1, PM2